The following is an entry in ClinVar:

NM_001377540.1(SLMAP):c.2426T>C (p.Leu809Pro)

Gene: SLMAP (sarcolemma associated protein; plus strand). Cytogenetic location: 3p14.3.
Variant type: single nucleotide variant.
Coding change: c.2426T>C on transcript NM_001377540.1 (MANE Select); coding-DNA position 2426, T replaced by C.
Protein change: p.Leu809Pro; replaces leucine 809 with proline.
Molecular consequence: missense variant. On other transcripts: non-coding transcript variant (1).
Genome position (GRCh38, 1-based): chr3:57,923,004, T>C. VCF-style: chr3-57923004-T-C. GRCh37 (hg19) VCF-style: chr3-57908731-T-C.
Other names: c.2375T>C, p.Leu792Pro (NM_001304420.3, NM_001377541.1, NM_001377542.1); c.2261T>C, p.Leu754Pro (NM_001304421.2, NM_001377557.1, NM_001377559.1); c.977T>C, p.Leu326Pro (NM_001304422.3, NM_001311178.2); c.779T>C, p.Leu260Pro (NM_001304423.3); c.2447T>C, p.Leu816Pro (NM_001377538.1); c.2426T>C, p.Leu809Pro (NM_001377539.1); c.2363T>C, p.Leu788Pro (NM_001377545.1); c.2324T>C, p.Leu775Pro (NM_001377549.1, NM_007159.5); and 8 more; short protein forms L260P, L285P, L326P, L713P, L730P, L734P, L747P, L751P.
Identifiers: ClinVar variation 3226005 (VCV003226005.1), dbSNP rs2476550403, ClinGen allele CA353410843.

ClinVar aggregate classification (germline): Uncertain significance (1 of 4 stars; one submission).

Submission:

Ambry Genetics
Classification: Uncertain significance. Last evaluated: 2023-11-29. Review status: criteria provided, single submitter. Criteria: Ambry Variant Classification Scheme 2023. Collection method: clinical testing. Allele origin: germline.
Comment: The p.L775P variant (also known as c.2324T>C), located in coding exon 20 of the SLMAP gene, results from a T to C substitution at nucleotide position 2324. The leucine at codon 775 is replaced by proline, an amino acid with similar properties. This amino acid position is conserved. In addition, this alteration is predicted to be deleterious by in silico analysis. Since supporting evidence is limited at this time, the clinical significance of this alteration remains unclear.